The following is an entry in ClinVar:

NM_001297.5(CNGB1):c.3010G>T (p.Ala1004Ser)

Gene: CNGB1 (cyclic nucleotide gated channel subunit beta 1; minus strand). Cytogenetic location: 16q21.
Variant type: single nucleotide variant.
Coding change: c.3010G>T on transcript NM_001297.5 (MANE Select); coding-DNA position 3010, G replaced by T.
Protein change: p.Ala1004Ser; replaces alanine 1004 with serine.
Molecular consequence: missense variant.
Genome position (GRCh38, 1-based): chr16:57,897,881, C>A on the plus strand (G>T on the coding strand, the complement: CNGB1 is on the minus strand). VCF-style: chr16-57897881-C-A. GRCh37 (hg19) VCF-style: chr16-57931785-C-A.
Other names: c.2992G>T, p.Ala998Ser (NM_001286130.2); short protein forms A1004S, A998S.
Identifiers: ClinVar variation 420187 (VCV000420187.2), dbSNP rs1064794335, ClinGen allele CA16620216.
Genomic context (GRCh38, chr16:57,897,881, plus strand): 5'-CTTTCAGCGTCACCAGCACAGATTTCCCATCAGGGCCGCCCAAGACCTGCACTTGCCCTG[C>A]CTGGATGATGTACATCTCACGGCCGATCTCCCCCTGAAACAAAGAAGTGACAAGTCCCTC-3'
Protein context (NP_001288.3, residues 994-1014): EIGREMYIIQ[Ala1004Ser]GQVQVLGGPD

ClinVar aggregate classification (germline): Uncertain significance (1 of 4 stars; one submission).

Allele frequency attached by ClinVar (database versions not stated): TOPMed below 0.00001.
gnomAD v4.1: 1 of 1,614,238 alleles (0.000062%); highest among the groups gnomAD compares: South Asian, 0.0011%; no homozygotes.

Submission:

GeneDx
Classification: Uncertain significance. Last evaluated: 2015-12-03. Review status: criteria provided, single submitter. Criteria: GeneDx Variant Classification (06012015). Collection method: clinical testing. Allele origin: germline. Affected: yes.
Comment: The A1004S variant in the CNGB1 gene has not been reported previously as a pathogenic variant, nor as a benign variant, to our knowledge. The A1004S variant was not observed in approximately 6200 individuals of European and African American ancestry in the NHLBI Exome Sequencing Project, indicating it is not a common benign variant in these populations. The A1004S variant is a non-conservative amino acid substitution, which is likely to impact secondary protein structure as these residues differ in polarity, charge, size and/or other properties. This substitution occurs at a position that is conserved in mammals. In silico analysis is inconsistent in its predictions as to whether or not the variant is damaging to the protein structure/function. We interpret A1004S as a variant of uncertain significance.